The following is an entry in ClinVar:

NM_152564.5(VPS13B):c.886G>A (p.Glu296Lys)

Gene: VPS13B (vacuolar protein sorting 13 homolog B; plus strand). Cytogenetic location: 8q22.2.
Variant type: single nucleotide variant.
Coding change: c.886G>A on transcript NM_152564.5 (MANE Select); coding-DNA position 886, G replaced by A.
Protein change: p.Glu296Lys; replaces glutamic acid 296 with lysine.
Molecular consequence: missense variant. On other transcripts: non-coding transcript variant (1).
Genome position (GRCh38, 1-based): chr8:99,115,823, G>A. VCF-style: chr8-99115823-G-A. GRCh37 (hg19) VCF-style: chr8-100128051-G-A.
Other names: c.886G>A, p.Glu296Lys (NM_015243.3, NM_017890.5, NM_181661.3); c.886G>A (NM_152564.4); short protein forms E296K.
Identifiers: ClinVar variation 361039 (VCV000361039.13), dbSNP rs886062535, ClinGen allele CA10631752.

ClinVar aggregate classification (germline): Uncertain significance. Review status: criteria provided, multiple submitters, no conflicts (2 of 4 stars). 5 submissions from 5 submitters: Uncertain significance (3). 2 of the submissions do not count toward it. Last evaluated 2023-12-15.

Conditions:
VPS13B-related disorder. Also called: VPS13B-related condition.
Cohen syndrome (COH1). Also called: PEPPER SYNDROME; Cutis verticis gyrata, retinitis pigmentosa, and sensorineural deafness. Identifiers: Orphanet 193, MedGen C0265223, MONDO:0008999, OMIM 216550.

Allele frequency attached by ClinVar (database versions not stated): gnomAD exomes 0.00001; TOPMed 0.00002; gnomAD 0.00003.
gnomAD v4.1: 19 of 1,613,472 alleles (0.0012%); highest among the groups gnomAD compares: Admixed American, 0.0033%; no homozygotes.

Submissions (5):

Blueprint Genetics
Classification: Uncertain significance. Last evaluated: 2023-12-15. Review status: criteria provided, single submitter. Criteria: ACMG Guidelines, 2015. Collection method: clinical testing. Allele origin: germline.

Labcorp Genetics (formerly Invitae), Labcorp
Classification: Uncertain significance for Cohen syndrome. Last evaluated: 2022-04-06. Review status: criteria provided, single submitter. Criteria: Invitae Variant Classification Sherloc (09022015). Collection method: clinical testing. Allele origin: germline.
Comment: This sequence change replaces glutamic acid, which is acidic and polar, with lysine, which is basic and polar, at codon 296 of the VPS13B protein (p.Glu296Lys). This variant is present in population databases (no rsID available, gnomAD 0.006%). This variant has not been reported in the literature in individuals affected with VPS13B-related conditions. ClinVar contains an entry for this variant (Variation ID: 361039). Algorithms developed to predict the effect of missense changes on protein structure and function are either unavailable or do not agree on the potential impact of this missense change (SIFT: "Not Available"; PolyPhen-2: "Benign"; Align-GVGD: "Not Available"). In summary, the available evidence is currently insufficient to determine the role of this variant in disease. Therefore, it has been classified as a Variant of Uncertain Significance.

Illumina Laboratory Services, Illumina
Classification: Uncertain significance for Cohen syndrome. Last evaluated: 2018-01-13. Review status: criteria provided, single submitter. Criteria: ICSL Variant Classification Criteria 13 December 2019. Collection method: clinical testing. Allele origin: germline.

PreventionGenetics, part of Exact Sciences
Classification: Uncertain significance for VPS13B-related condition. Last evaluated: 2024-02-08. Review status: no assertion criteria provided. Collection method: clinical testing. Allele origin: germline. Not counted in ClinVar's aggregate classification.
Comment: The VPS13B c.886G>A variant is predicted to result in the amino acid substitution p.Glu296Lys. This variant is reported in 0.0058% of alleles in individuals of Latino descent in gnomAD. To our knowledge, this variant has not been reported in the literature. At this time, the clinical significance of this variant is uncertain due to the absence of conclusive functional and genetic evidence.

Natera, Inc.
Classification: Uncertain significance for Cohen syndrome. Last evaluated: 2020-09-16. Review status: no assertion criteria provided. Collection method: clinical testing. Allele origin: germline. Not counted in ClinVar's aggregate classification.